The following is an entry in ClinVar:

ClinVar aggregate classification (germline): Uncertain significance (1 of 4 stars; one submission).

Conditions:
Immunodeficiency due to CD25 deficiency. Also called: IMMUNODEFICIENCY 41 WITH LYMPHOPROLIFERATION AND AUTOIMMUNITY; CD25 DEFICIENCY; IL2RA DEFICIENCY. Identifiers: Orphanet 169100, MedGen C1853392, MONDO:0011664, OMIM 606367.

Allele frequency attached by ClinVar (database versions not stated): TOPMed below 0.00001.

Submission:

Labcorp Genetics (formerly Invitae), Labcorp
Classification: Uncertain significance for Immunodeficiency due to CD25 deficiency. Last evaluated: 2021-08-17. Review status: criteria provided, single submitter. Criteria: Invitae Variant Classification Sherloc (09022015). Collection method: clinical testing. Allele origin: germline.
Comment: This sequence change replaces isoleucine with valine at codon 14 of the IL2RA protein (p.Ile14Val). The isoleucine residue is weakly conserved and there is a small physicochemical difference between isoleucine and valine. This variant is not present in population databases (ExAC no frequency). This variant has not been reported in the literature in individuals affected with IL2RA-related conditions. Algorithms developed to predict the effect of missense changes on protein structure and function output the following: SIFT: "Tolerated"; PolyPhen-2: "Benign"; Align-GVGD: "Class C0". The valine amino acid residue is found in multiple mammalian species, which suggests that this missense change does not adversely affect protein function. In summary, the available evidence is currently insufficient to determine the role of this variant in disease. Therefore, it has been classified as a Variant of Uncertain Significance.

NM_000417.3(IL2RA):c.40A>G (p.Ile14Val)

Genes: IL2RA (interleukin 2 receptor subunit alpha; minus strand), LOC130003232 (ATAC-STARR-seq lymphoblastoid active region 2950; plus strand). Cytogenetic location: 10p15.1.
Variant type: single nucleotide variant.
Coding change: c.40A>G on transcript NM_000417.3 (MANE Select); coding-DNA position 40, A replaced by G.
Protein change: p.Ile14Val; replaces isoleucine 14 with valine.
Molecular consequence: missense variant.
Genome position (GRCh38, 1-based): chr10:6,062,112, T>C on the plus strand (A>G on the coding strand, the complement: IL2RA is on the minus strand). VCF-style: chr10-6062112-T-C. GRCh37 (hg19) VCF-style: chr10-6104075-T-C.
Other names: c.40A>G, p.Ile14Val (NM_001308242.2, NM_001308243.2); short protein forms I14V.
Identifiers: ClinVar variation 1375710 (VCV001375710.6), dbSNP rs781222262, ClinGen allele CA375940422.